The following is an entry in ClinVar:

NM_018897.3(DNAH7):c.8483T>C (p.Met2828Thr)

Gene: DNAH7 (dynein axonemal heavy chain 7; minus strand). Cytogenetic location: 2q32.3.
Variant type: single nucleotide variant.
Coding change: c.8483T>C on transcript NM_018897.3 (MANE Select); coding-DNA position 8483, T replaced by C.
Protein change: p.Met2828Thr; replaces methionine 2828 with threonine.
Molecular consequence: missense variant.
Genome position (GRCh38, 1-based): chr2:195,855,923, A>G on the plus strand (T>C on the coding strand, the complement: DNAH7 is on the minus strand). VCF-style: chr2-195855923-A-G. GRCh37 (hg19) VCF-style: chr2-196720647-A-G.
Other names: short protein forms M2828T.
Identifiers: ClinVar variation 719630 (VCV000719630.5), dbSNP rs114304236, ClinGen allele CA2034638.

ClinVar aggregate classification (germline): Benign. Review status: criteria provided, single submitter (1 of 4 stars). 2 submissions from 2 submitters: Benign (1). 1 of the submissions does not count toward it. Last evaluated 2018-05-30.

Conditions:
DNAH7-related disorder. Also called: DNAH7-related condition.

Allele frequency attached by ClinVar (database versions not stated): ExAC 0.00159; 1000 Genomes Project 0.00359; ESP Exome Variant Server 0.00464; gnomAD exomes 0.00126; 1000 Genomes Project 30x 0.00500; gnomAD 0.00523 and 0.00565; TOPMed 0.00574.
gnomAD v4.1: 1,585 of 1,614,002 alleles (0.098%); highest among the groups gnomAD compares: African/African-American, 1.9%; 14 homozygotes.

Submissions (2):

Labcorp Genetics (formerly Invitae), Labcorp
Classification: Benign. Last evaluated: 2018-05-30. Review status: criteria provided, single submitter. Criteria: Invitae Variant Classification Sherloc (09022015). Collection method: clinical testing. Allele origin: germline.

PreventionGenetics, part of Exact Sciences
Classification: Likely benign for DNAH7-related condition. Last evaluated: 2020-11-24. Review status: no assertion criteria provided. Collection method: clinical testing. Allele origin: germline. Not counted in ClinVar's aggregate classification.
Comment: This variant is classified as likely benign based on ACMG/AMP sequence variant interpretation guidelines (Richards et al. 2015 PMID: 25741868, with internal and published modifications).